The following is an entry in ClinVar:

ClinVar aggregate classification (germline): Likely benign (0 of 4 stars; one submission).

Conditions:
COL4A1-related disorder. Also called: COL4A1-related condition; COL4A1-related disorders. Identifiers: MedGen CN376119, MONDO:0800461.

Allele frequency attached by ClinVar (database versions not stated): gnomAD exomes below 0.00001.
gnomAD v4.1: 2 of 1,591,858 alleles (0.00013%); highest among the groups gnomAD compares: East Asian, 0.0022%; no homozygotes.

Submission:

PreventionGenetics, part of Exact Sciences
Classification: Likely benign for COL4A1-related condition. Last evaluated: 2023-07-03. Review status: no assertion criteria provided. Collection method: clinical testing. Allele origin: germline.
Comment: This variant is classified as likely benign based on ACMG/AMP sequence variant interpretation guidelines (Richards et al. 2015 PMID: 25741868, with internal and published modifications).

NM_001845.6(COL4A1):c.2096-3C>T

Gene: COL4A1 (collagen type IV alpha 1 chain; minus strand). Cytogenetic location: 13q34.
Variant type: single nucleotide variant.
Coding change: c.2096-3C>T on transcript NM_001845.6 (MANE Select); 3 bases into the intron before coding-DNA position 2096, C replaced by T.
Molecular consequence: intron variant.
Genome position (GRCh38, 1-based): chr13:110,181,392, G>A on the plus strand (C>T on the coding strand, the complement: COL4A1 is on the minus strand). VCF-style: chr13-110181392-G-A. GRCh37 (hg19) VCF-style: chr13-110833739-G-A.
Identifiers: ClinVar variation 3049801 (VCV003049801.2), dbSNP rs1232150856, ClinGen allele CA612626165.